The following is an entry in ClinVar:

NM_001042492.3(NF1):c.2244G>A (p.Met748Ile)

Gene: NF1 (neurofibromin 1; plus strand). Cytogenetic location: 17q11.2.
Variant type: single nucleotide variant.
Coding change: c.2244G>A on transcript NM_001042492.3 (MANE Select); coding-DNA position 2244, G replaced by A.
Protein change: p.Met748Ile; replaces methionine 748 with isoleucine.
Molecular consequence: missense variant.
Genome position (GRCh38, 1-based): chr17:31,226,677, G>A. VCF-style: chr17-31226677-G-A. GRCh37 (hg19) VCF-style: chr17-29553695-G-A.
Other names: c.2244G>A, p.Met748Ile (NM_000267.4); short protein forms M748I.
Identifiers: ClinVar variation 185815 (VCV000185815.19), dbSNP rs786202478, ClinGen allele CA193036.
Genomic context (GRCh38, chr17:31,226,677, plus strand): 5'-GCATAACCTCTTGCCCAACTATAACACATTCATGGAGTTTGCCTCTGTCAGCAATATGAT[G>A]TCAACAGGTAAATGTGAATAGTGGTTTTTTTTACTCAGTCTGCCTCAAAGCACATGGCAT-3'
Protein context (NP_001035957.1, residues 738-758): FMEFASVSNM[Met748Ile]STGRAALQKR

ClinVar aggregate classification (germline): Conflicting classifications of pathogenicity. Review status: criteria provided, conflicting classifications (1 of 4 stars). 7 submissions from 6 submitters: Uncertain significance (5); Benign (1); Likely benign (1). Last evaluated 2025-09-10.

Conditions:
Hereditary cancer-predisposing syndrome. Also called: Hereditary Cancer Syndrome; Neoplastic Syndromes, Hereditary; Tumor predisposition; Hereditary neoplastic syndrome. Identifiers: Orphanet 140162, MedGen C0027672, MeSH D009386, MONDO:0015356.
Cardiovascular phenotype. Identifiers: MedGen CN230736.
Juvenile myelomonocytic leukemia (JMML). Also called: LEUKEMIA, JUVENILE MYELOMONOCYTIC, SOMATIC. Identifiers: Orphanet 86834, MedGen C0349639, MONDO:0011908, OMIM 607785, HP:0012209.
Neurofibromatosis, type 1 (NF1). Also called: NEUROFIBROMATOSIS, TYPE I, SOMATIC; VON RECKLINGHAUSEN DISEASE; Peripheral type neurofibromatosis; Neurofibromatosis, type I. Identifiers: Orphanet 636, MedGen C0027831, MONDO:0018975, OMIM 162200. Disease mechanism: loss of function.

Allele frequency attached by ClinVar (database versions not stated): gnomAD exomes below 0.00001 and 0.00001; TOPMed below 0.00001.
gnomAD v4.1: 8 of 1,613,760 alleles (0.0005%); highest among the groups gnomAD compares: Admixed American, 0.0067%; no homozygotes.

Submissions (7):

Labcorp Genetics (formerly Invitae), Labcorp
Classification: Benign for Neurofibromatosis, type 1. Last evaluated: 2025-09-10. Review status: criteria provided, single submitter. Criteria: Invitae Variant Classification Sherloc (09022015). Collection method: clinical testing. Allele origin: germline.

Ambry Genetics
Classification: Likely benign for Cardiovascular phenotype; Hereditary cancer-predisposing syndrome. Last evaluated: 2025-02-13. Review status: criteria provided, single submitter. Criteria: Ambry Variant Classification Scheme 2023. Collection method: clinical testing. Allele origin: germline.

GeneDx
Classification: Uncertain significance. Last evaluated: 2023-10-05. Review status: criteria provided, single submitter. Criteria: GeneDx Variant Classification Process June 2021. Collection method: clinical testing. Allele origin: germline. Affected: yes.
Comment: In silico analysis supports that this missense variant does not alter protein structure/function; Has not been previously published as pathogenic or benign to our knowledge; This variant is associated with the following publications: (PMID: 25486365)

Baylor Genetics
Classification: Uncertain significance for Juvenile myelomonocytic leukemia. Last evaluated: 2023-09-06. Review status: criteria provided, single submitter. Criteria: ACMG Guidelines, 2015. Collection method: clinical testing. Allele origin: unknown.

Genome-Nilou Lab
Classification: Uncertain significance for Neurofibromatosis, type 1. Last evaluated: 2022-03-15. Review status: criteria provided, single submitter. Criteria: ACMG Guidelines, 2015. Collection method: clinical testing. Allele origin: germline. Affected: no.

AiLife Diagnostics
Classification: Uncertain significance. Last evaluated: 2020-07-08. Review status: criteria provided, single submitter. Criteria: ACMG Guidelines, 2015. Collection method: clinical testing. Allele origin: germline. Affected: yes. Observed: 1 variant allele.

Ambry Genetics
Classification: Uncertain significance for Hereditary cancer-predisposing syndrome. Last evaluated: 2015-10-19. Review status: criteria provided, single submitter. Criteria: Ambry Autosomal Dominant and X-Linked criteria (10/2015). Collection method: clinical testing. Allele origin: germline. Observed: 1 variant allele.
Comment: Ã¢â‚¬â€¹<span style="background-color:initial">Thep.M748I<span style="background-color:initial"> variant (also known as c.2244G>A), located in coding exon 18 of theNF1<span style="background-color:initial"> gene, results from a G to A substitution at nucleotide position 2244. The methionine at codon 748 is replaced by isoleucine, an amino acid with highly similar properties. This variant was not reported in population based cohorts in the following databases: Database of Single Nucleotide Polymorphisms (dbSNP), NHLBI Exome Sequencing Project (ESP), and 1000 Genomes Project. To date, this alteration has been detected with an allele frequency of approximately 0.004% (greater than 55000 alleles tested) in our clinical cohort. This amino acid position is highly conserved in available vertebrate species. In addition, this alteration is predicted to be benign and tolerated by PolyPhen and SIFTin silico<span style="background-color:initial"> analyses, respectively. Since supporting evidence is limited at this time, the clinical significance of p.M748I remains unclear.